The following is an entry in ClinVar:

ClinVar aggregate classification (germline): Uncertain significance (1 of 4 stars; one submission).

Conditions:
NINL-related disorder. Also called: NINL-related condition.

gnomAD v4.1: 1 of 1,613,114 alleles (0.000062%); highest among the groups gnomAD compares: African/African-American, 0.0013%; no homozygotes.

Submission:

PreventionGenetics, part of Exact Sciences
Classification: Uncertain significance for NINL-related condition. Last evaluated: 2025-03-11. Review status: criteria provided, single submitter. Criteria: ACMG Guidelines, 2015. Collection method: clinical testing. Allele origin: germline.
Comment: The NINL c.638G>T variant is predicted to result in the amino acid substitution p.Ser213Ile. To our knowledge, this variant has not been reported in the literature. This variant is reported in 0.0062% of alleles in individuals of African descent in gnomAD. At this time, the clinical significance of this variant is uncertain due to the absence of conclusive functional and genetic evidence.

NM_025176.6(NINL):c.638G>T (p.Ser213Ile)

Gene: NINL (ninein like; minus strand). Cytogenetic location: 20p11.21.
Variant type: single nucleotide variant.
Coding change: c.638G>T on transcript NM_025176.6 (MANE Select); coding-DNA position 638, G replaced by T.
Protein change: p.Ser213Ile; replaces serine 213 with isoleucine.
Molecular consequence: missense variant.
Genome position (GRCh38, 1-based): chr20:25,504,958, C>A on the plus strand (G>T on the coding strand, the complement: NINL is on the minus strand). VCF-style: chr20-25504958-C-A. GRCh37 (hg19) VCF-style: chr20-25485594-C-A.
Other names: c.638G>T, p.Ser213Ile (NM_001318226.2); short protein forms S213I.
Identifiers: ClinVar variation 4997119 (VCV004997119.1).